The following is an entry in ClinVar:

ClinVar aggregate classification (germline): Benign. Review status: criteria provided, multiple submitters, no conflicts (2 of 4 stars). 2 submissions from 2 submitters: Benign (2). Last evaluated 2018-01-13.

Conditions:
Arrhythmogenic right ventricular dysplasia 9 (ARVD9). Also called: Arrhythmogenic Right Ventricular Dysplasia/Cardiomyopathy 9; ARRHYTHMOGENIC RIGHT VENTRICULAR DYSPLASIA, FAMILIAL, 9. Identifiers: MedGen C1836906, MONDO:0012180, OMIM 609040.

Allele frequency attached by ClinVar (database versions not stated): 1000 Genomes Project 30x 0.47564; 1000 Genomes Project 0.46346; gnomAD 0.60552 and 0.61624; TOPMed 0.59225.

Submissions (2):

Illumina Laboratory Services, Illumina
Classification: Benign for Arrhythmogenic right ventricular dysplasia 9. Last evaluated: 2018-01-13. Review status: criteria provided, single submitter. Criteria: ICSL Variant Classification Criteria 13 December 2019. Collection method: clinical testing. Allele origin: germline.
Comment: This variant was observed in the ICSL laboratory as part of a predisposition screen in an ostensibly healthy population. It had not been previously curated by ICSL or reported in the Human Gene Mutation Database (HGMD: prior to June 1st, 2018), and was therefore a candidate for classification through an automated scoring system. Utilizing variant allele frequency, disease prevalence and penetrance estimates, and inheritance mode, an automated score was calculated to assess if this variant is too frequent to cause the disease. Based on the score and internal cut-off values, a variant classified as benign is not then subjected to further curation. The score for this variant resulted in a classification of benign for this disease.

Breakthrough Genomics
Classification: Benign. Review status: criteria provided, single submitter. Criteria: ACMG Guidelines, 2015. Collection method: not provided. Allele origin: germline. Inheritance: Autosomal dominant inheritance. Affected: yes.

NM_001005242.3(PKP2):c.*1196G>A

Gene: PKP2 (plakophilin 2; minus strand). Cytogenetic location: 12p11.21.
Variant type: single nucleotide variant.
Coding change: c.*1196G>A on transcript NM_001005242.3 (MANE Select); 1196 bases downstream of the stop codon, G replaced by A.
Molecular consequence: 3 prime UTR variant.
Genome position (GRCh38, 1-based): chr12:32,791,228, C>T on the plus strand (G>A on the coding strand, the complement: PKP2 is on the minus strand). VCF-style: chr12-32791228-C-T. GRCh37 (hg19) VCF-style: chr12-32944162-C-T.
Other names: c.*1196G>A (NM_004572.4).
Identifiers: ClinVar variation 308475 (VCV000308475.6), dbSNP rs1046138, ClinGen allele CA10632624.
Genomic context (GRCh38, chr12:32,791,228, plus strand): 5'-TAATCATAGCGCAGTTAAAACAACATTTAATGTAGATTCATTTCGCTGGATGATGTCAAC[C>T]ATTTAAAATATCAGTATTTCTCATATCATTTCTGGATGGTCTTGACACATTCTTACATCT-3'